The following is an entry in ClinVar:

ClinVar aggregate classification (germline): Benign. Review status: criteria provided, multiple submitters, no conflicts (2 of 4 stars). 3 submissions from 3 submitters: Benign (3). Last evaluated 2018-06-11.

Allele frequency attached by ClinVar (database versions not stated): gnomAD exomes 0.00466 and 0.00188; ExAC 0.00563; gnomAD 0.01779 and 0.01905; 1000 Genomes Project 30x 0.01889; 1000 Genomes Project 0.01917; ESP Exome Variant Server 0.01922; TOPMed 0.02019.
gnomAD v4.1: 5,560 of 1,599,648 alleles (0.35%); highest among the groups gnomAD compares: African/African-American, 6.1%; 141 homozygotes.

Submissions (3):

GeneDx
Classification: Benign. Last evaluated: 2018-06-11. Review status: criteria provided, single submitter. Criteria: GeneDx Variant Classification Process June 2021. Collection method: clinical testing. Allele origin: germline. Affected: yes.

Laboratory for Molecular Medicine, Mass General Brigham Personalized Medicine
Classification: Benign. Last evaluated: 2012-03-19. Review status: criteria provided, single submitter. Criteria: LMM Criteria. Collection method: clinical testing. Allele origin: germline. Observed: 16 variant alleles.
Comment: c.991-4T>C in Intron 07 of TMPO: This variant is not expected to have clinical s ignificance because it is not located within the splice consensus sequence and h as been identified in 5.4% (201/3738) of African American chromosomes from a bro ad population by the NHLBI Exome Sequencing Project (u/EVS; dbSNP rs112475937).

Breakthrough Genomics
Classification: Benign. Review status: criteria provided, single submitter. Criteria: ACMG Guidelines, 2015. Collection method: not provided. Allele origin: germline. Inheritance: Unknown mechanism. Affected: yes.

NM_001032283.3(TMPO):c.991-4T>C

Gene: TMPO (thymopoietin; plus strand). Cytogenetic location: 12q23.1.
Variant type: single nucleotide variant.
Coding change: c.991-4T>C on transcript NM_001032283.3 (MANE Select); 4 bases into the intron before coding-DNA position 991, T replaced by C.
Molecular consequence: intron variant.
Genome position (GRCh38, 1-based): chr12:98,546,355, T>C. VCF-style: chr12-98546355-T-C. GRCh37 (hg19) VCF-style: chr12-98940133-T-C.
Other names: c.871-4T>C (NM_001307975.2); c.664-4T>C (NM_001032284.3).
Identifiers: ClinVar variation 43695 (VCV000043695.7), dbSNP rs112475937, ClinGen allele CA132915.